The following is an entry in ClinVar:

NM_000059.4(BRCA2):c.6879del (p.Phe2293fs)

Gene: BRCA2 (BRCA2 DNA repair associated; plus strand). Cytogenetic location: 13q13.1.
Variant type: Deletion.
Coding change: c.6879del on transcript NM_000059.4 (MANE Select); coding-DNA position 6879, one base deleted (T; older notation c.6879delT).
Protein change: p.Phe2293fs; shifts the reading frame from phenylalanine 2293.
Molecular consequence: frameshift variant.
Genome position (GRCh38, 1-based): chr13:32,344,595, T deleted; the last of 3 consecutive T bases (chr13:32,344,593-32,344,595); deleting any one gives the same sequence. VCF-style (leftmost placement, unchanged base first): chr13-32344592-AT-A. GRCh37 (hg19) VCF-style: chr13-32918729-AT-A.
Other names: c.6879delT (NM_000059.3).
Identifiers: ClinVar variation 267661 (VCV000267661.15), dbSNP rs886040932, ClinGen allele CA10602530.

ClinVar aggregate classification (germline): Pathogenic/Likely pathogenic. Review status: criteria provided, multiple submitters, no conflicts (2 of 4 stars). 4 submissions from 4 submitters: Pathogenic (2); Likely pathogenic (1). 1 of the submissions does not count toward it. Last evaluated 2025-05-19.

Conditions:
Breast-ovarian cancer, familial, susceptibility to, 2 (BROVCA2). Also called: BRCA2 Hereditary Breast and Ovarian Cancer. Identifiers: Orphanet 145, MedGen C2675520, MONDO:0012933, OMIM 612555. Disease mechanism: loss of function.
Hereditary breast ovarian cancer syndrome. Also called: BRCA1- and BRCA2-Associated Hereditary Breast and Ovarian Cancer; Hereditary breast and ovarian cancer; Breast and ovarian cancer; Hereditary breast and/or ovarian cancer syndrome; Hereditary breast and ovarian cancer syndrome; Hereditary breast and ovarian cancer syndrome (HBOC). Identifiers: Orphanet 145, MedGen C0677776, MeSH D061325, MONDO:0003582. Disease mechanism: loss of function.
Hereditary cancer-predisposing syndrome. Also called: Hereditary neoplastic syndrome; Neoplastic Syndromes, Hereditary; Tumor predisposition; Hereditary Cancer Syndrome. Identifiers: Orphanet 140162, MedGen C0027672, MeSH D009386, MONDO:0015356.

Submissions (4):

Ambry Genetics
Classification: Likely pathogenic for Hereditary cancer-predisposing syndrome. Last evaluated: 2025-05-19. Review status: criteria provided, single submitter. Criteria: Ambry Variant Classification Scheme 2023. Collection method: clinical testing. Allele origin: germline.
Comment: The c.6879delT variant, located in coding exon 11 of the BRCA2 gene, results from a deletion of one nucleotide at nucleotide position 6879, causing a translational frameshift with a predicted alternate stop codon (p.F2293Lfs*4). This alteration is expected to result in loss of function by premature protein truncation or nonsense-mediated mRNA decay. However, this variant occurs in an exon that is absent in biologically relevant transcripts (Li L et al. Hum. Mutat. 2009 Nov;30(11):1543-50). Of note, this exon is referred to as exon 12 in the literature. This variant has been identified in trans with another BRCA2 variant in an individual with features consistent with Fanconi Anemia (External communication; Radulovic, I et al. Hum Mol Genet 2023 May;32(11):1836-1849). However, because this variant has been identified in a patient with Fanconi Anemia, this alteration may be hypomorphic, and thus, carriers of this variant and their families may present with reduced risks, and not with the typical clinical characteristics of a high-risk pathogenic BRCA2 alteration. As risk estimates are unknown at this time, clinical correlation is advised.

Labcorp Genetics (formerly Invitae), Labcorp
Classification: Pathogenic for Hereditary breast ovarian cancer syndrome. Last evaluated: 2021-06-29. Review status: criteria provided, single submitter. Criteria: Invitae Variant Classification Sherloc (09022015). Collection method: clinical testing. Allele origin: germline.
Comment: This sequence change creates a premature translational stop signal (p.Phe2293Leufs*4) in the BRCA2 gene. It is expected to result in an absent or disrupted protein product. This variant is not present in population databases (ExAC no frequency). This variant has not been reported in the literature in individuals with BRCA2-related disease. ClinVar contains an entry for this variant (Variation ID: 267661). Loss-of-function variants in BRCA2 are known to be pathogenic (PMID: 20104584). For these reasons, this variant has been classified as Pathogenic.

Consortium of Investigators of Modifiers of BRCA1/2 (CIMBA), c/o University of Cambridge
Classification: Pathogenic for Breast-ovarian cancer, familial, susceptibility to, 2. Last evaluated: 2015-10-02. Review status: criteria provided, single submitter. Criteria: CIMBA Mutation Classification guidelines May 2016. Collection method: clinical testing. Allele origin: germline.

Counsyl
Classification: Likely pathogenic for Breast-ovarian cancer, familial, susceptibility to, 2. Last evaluated: 2016-12-21. Review status: no assertion criteria provided. Collection method: clinical testing. Allele origin: unknown. Not counted in ClinVar's aggregate classification.

Literature cited by the submitters: PubMed 36721989 (cited by Ambry Genetics); PubMed 20104584 (cited by Labcorp Genetics (formerly Invitae), Labcorp).